The following is an entry in ClinVar:

ClinVar aggregate classification (germline): Uncertain significance (0 of 4 stars; one submission).

Conditions:
SEMA3D-related disorder. Also called: SEMA3D-related condition.

gnomAD v4.1: 49 of 1,613,976 alleles (0.003%); highest among the groups gnomAD compares: Non-Finnish European, 0.0038%; no homozygotes.

Submission:

PreventionGenetics, part of Exact Sciences
Classification: Uncertain significance for SEMA3D-related condition. Last evaluated: 2024-07-01. Review status: no assertion criteria provided. Collection method: clinical testing. Allele origin: germline.
Comment: The SEMA3D c.1986G>A variant is predicted to result in the amino acid substitution p.Met662Ile. To our knowledge, this variant has not been reported in the literature. This variant is reported in 0.0070% of alleles in individuals of European (Non-Finnish) descent in gnomAD. At this time, the clinical significance of this variant is uncertain due to the absence of conclusive functional and genetic evidence.

NM_001384900.1(SEMA3D):c.1986G>A (p.Met662Ile)

Genes: SEMA3D (semaphorin 3D; minus strand), LOC126860094 (BRD4-independent group 4 enhancer GRCh37_chr7:84628763-84629962; plus strand). Cytogenetic location: 7q21.11.
Variant type: single nucleotide variant.
Coding change: c.1986G>A on transcript NM_001384900.1 (MANE Select); coding-DNA position 1986, G replaced by A.
Protein change: p.Met662Ile; replaces methionine 662 with isoleucine.
Molecular consequence: missense variant.
Genome position (GRCh38, 1-based): chr7:84,999,788, C>T on the plus strand (G>A on the coding strand, the complement: SEMA3D is on the minus strand). VCF-style: chr7-84999788-C-T. GRCh37 (hg19) VCF-style: chr7-84629104-C-T.
Other names: c.1986G>A, p.Met662Ile (NM_001384901.1, NM_001384902.1, NM_001384903.1 and 1 more transcripts); short protein forms M662I.
Identifiers: ClinVar variation 3351230 (VCV003351230.1).